The following is an entry in ClinVar:

ClinVar aggregate classification (germline): Uncertain significance. Review status: criteria provided, multiple submitters, no conflicts (2 of 4 stars). 2 submissions from 2 submitters: Uncertain significance (2). Last evaluated 2023-02-13.

Conditions:
Hereditary cancer-predisposing syndrome. Also called: Hereditary neoplastic syndrome; Tumor predisposition; Neoplastic Syndromes, Hereditary; Hereditary Cancer Syndrome. Identifiers: Orphanet 140162, MedGen C0027672, MeSH D009386, MONDO:0015356.

Submissions (2):

Ambry Genetics
Classification: Uncertain significance for Hereditary cancer-predisposing syndrome. Last evaluated: 2023-02-13. Review status: criteria provided, single submitter. Criteria: Ambry Variant Classification Scheme 2023. Collection method: clinical testing. Allele origin: germline.
Comment: The p.G246S variant (also known as c.736G>A), located in coding exon 7 of the NBN gene, results from a G to A substitution at nucleotide position 736. The glycine at codon 246 is replaced by serine, an amino acid with similar properties. In one study, this alteration was observed in 1/3236 cases with invasive epithelial ovarian cancer and 0/3431 controls (Ramus SJ et al. J Natl Cancer Inst, 2015 Nov;107). This amino acid position is highly conserved in available vertebrate species. In addition, this alteration is predicted to be deleterious by in silico analysis. Since supporting evidence is limited at this time, the clinical significance of this alteration remains unclear.

GeneDx
Classification: Uncertain significance. Last evaluated: 2015-02-10. Review status: criteria provided, single submitter. Criteria: GeneDx Variant Classification (06012015). Collection method: clinical testing. Allele origin: germline. Affected: yes.
Comment: This variant is denoted NBN c.736G>A at the cDNA level, p.Gly246Ser (G246S) at the protein level, and results in the change of a Glycine to a Serine (GGT>AGT). This variant has not, to our knowledge, been published in the literature as pathogenic or benign. NBN Gly246Ser was not observed in approximately 6,500 individuals of European and African American ancestry in the NHLBI Exome Sequencing Project, indicating it is not a common benign variant in these populations. Since Glycine and Serine differ in polarity, charge, size or other properties, this is considered a non-conservative amino acid substitution. NBN Gly246Ser occurs at a position that is highly conserved through mammals and is located in the region responsible for interaction with MTOR, MAPKAP1 and RICTOR and in the region that mediates interaction with SP100 (UniProt). In silico analyses predict that this variant is probably damaging to protein structure and function. Based on currently available information, it is unclear whether NBN Gly246Ser is pathogenic or benign. We consider it to be a variant of uncertain significance.

Literature cited by the submitters: PubMed 26315354 (cited by Ambry Genetics).

NM_002485.5(NBN):c.736G>A (p.Gly246Ser)

Gene: NBN (nibrin; minus strand). Cytogenetic location: 8q21.3.
Variant type: single nucleotide variant.
Coding change: c.736G>A on transcript NM_002485.5 (MANE Select); coding-DNA position 736, G replaced by A.
Protein change: p.Gly246Ser; replaces glycine 246 with serine.
Molecular consequence: missense variant.
Genome position (GRCh38, 1-based): chr8:89,970,524, C>T on the plus strand (G>A on the coding strand, the complement: NBN is on the minus strand). VCF-style: chr8-89970524-C-T. GRCh37 (hg19) VCF-style: chr8-90982752-C-T.
Other names: c.490G>A, p.Gly164Ser (NM_001024688.3); short protein forms G246S, G164S.
Identifiers: ClinVar variation 418374 (VCV000418374.4), dbSNP rs1064793212, ClinGen allele CA16618703.